The following is an entry in ClinVar:

NM_003998.4(NFKB1):c.2265T>A (p.Tyr755Ter)

Gene: NFKB1 (nuclear factor kappa B subunit 1; plus strand). Cytogenetic location: 4q24.
Variant type: single nucleotide variant.
Coding change: c.2265T>A on transcript NM_003998.4 (MANE Select); coding-DNA position 2265, T replaced by A.
Protein change: p.Tyr755Ter; replaces tyrosine 755 with a stop codon.
Molecular consequence: nonsense.
Genome position (GRCh38, 1-based): chr4:102,610,612, T>A. VCF-style: chr4-102610612-T-A. GRCh37 (hg19) VCF-style: chr4-103531769-T-A.
Other names: c.2262T>A, p.Tyr754Ter (NM_001165412.2, NM_001319226.2, NM_001382627.1); c.2265T>A, p.Tyr755Ter (NM_001382625.1, NM_001382626.1); c.2223T>A, p.Tyr741Ter (NM_001382628.1); short protein forms Y741*, Y754*, Y755*.
Identifiers: ClinVar variation 1070835 (VCV001070835.5), dbSNP rs2149227839, ClinGen allele CA357753660.

ClinVar aggregate classification (germline): Pathogenic (1 of 4 stars; one submission).

Submission:

Labcorp Genetics (formerly Invitae), Labcorp
Classification: Pathogenic. Last evaluated: 2022-02-10. Review status: criteria provided, single submitter. Criteria: Invitae Variant Classification Sherloc (09022015). Collection method: clinical testing. Allele origin: germline.
Comment: For these reasons, this variant has been classified as Pathogenic. This sequence change creates a premature translational stop signal (p.Tyr755*) in the NFKB1 gene. It is expected to result in an absent or disrupted protein product. Loss-of-function variants in NFKB1 are known to be pathogenic (PMID: 26279205, 29477724). This variant is not present in population databases (gnomAD no frequency). This variant has not been reported in the literature in individuals affected with NFKB1-related conditions. ClinVar contains an entry for this variant (Variation ID: 1070835).

Literature cited by the submitters: PubMed 26279205; PubMed 29477724.